The following is an entry in ClinVar:

NM_017668.3(NDE1):c.703+6G>A

Gene: NDE1 (nudE neurodevelopment protein 1; plus strand). Cytogenetic location: 16p13.11.
Variant type: single nucleotide variant.
Coding change: c.703+6G>A on transcript NM_017668.3 (MANE Select); 6 bases into the intron after coding-DNA position 703, G replaced by A.
Molecular consequence: intron variant.
Genome position (GRCh38, 1-based): chr16:15,691,329, G>A. VCF-style: chr16-15691329-G-A. GRCh37 (hg19) VCF-style: chr16-15785186-G-A.
Other names: c.703+6G>A (NM_001143979.2).
Identifiers: ClinVar variation 3573501 (VCV003573501.1).

ClinVar aggregate classification (germline): Uncertain significance (1 of 4 stars; one submission).

gnomAD v4.1: 33 of 1,613,978 alleles (0.002%); highest among the groups gnomAD compares: African/African-American, 0.024%; no homozygotes.

Submission:

GeneDx
Classification: Uncertain significance. Last evaluated: 2024-07-18. Review status: criteria provided, single submitter. Criteria: GeneDx Variant Classification Process June 2021. Collection method: clinical testing. Allele origin: germline. Affected: yes.
Comment: Has not been previously published as pathogenic or benign to our knowledge; In silico analysis suggests this variant may impact gene splicing. In the absence of RNA/functional studies, the actual effect of this sequence change is unknown.